The following is an entry in ClinVar:

ClinVar aggregate classification (germline): Uncertain significance (1 of 4 stars; one submission).

Conditions:
Early-infantile DEE. Also called: Early infantile epileptic encephalopathy; Ohtahara syndrome; Early infantile epileptic encephalopathy with suppression bursts. Identifiers: Orphanet 1934, MedGen C0393706, MONDO:0800491.

Submission:

Labcorp Genetics (formerly Invitae), Labcorp
Classification: Uncertain significance for Early-infantile DEE. Last evaluated: 2024-02-23. Review status: criteria provided, single submitter. Criteria: Invitae Variant Classification Sherloc (09022015). Collection method: clinical testing. Allele origin: germline.
Comment: This sequence change replaces methionine, which is neutral and non-polar, with leucine, which is neutral and non-polar, at codon 941 of the SCN8A protein (p.Met941Leu). This variant is not present in population databases (gnomAD no frequency). This variant has not been reported in the literature in individuals affected with SCN8A-related conditions. Advanced modeling of protein sequence and biophysical properties (such as structural, functional, and spatial information, amino acid conservation, physicochemical variation, residue mobility, and thermodynamic stability) has been performed at Invitae for this missense variant, however the output from this modeling did not meet the statistical confidence thresholds required to predict the impact of this variant on SCN8A protein function. In summary, the available evidence is currently insufficient to determine the role of this variant in disease. Therefore, it has been classified as a Variant of Uncertain Significance.

NM_001330260.2(SCN8A):c.2821A>T (p.Met941Leu)

Gene: SCN8A (sodium voltage-gated channel alpha subunit 8; plus strand). Cytogenetic location: 12q13.13.
Variant type: single nucleotide variant.
Coding change: c.2821A>T on transcript NM_001330260.2 (MANE Select); coding-DNA position 2821, A replaced by T.
Protein change: p.Met941Leu; replaces methionine 941 with leucine.
Molecular consequence: missense variant.
Genome position (GRCh38, 1-based): chr12:51,765,947, A>T. VCF-style: chr12-51765947-A-T. GRCh37 (hg19) VCF-style: chr12-52159731-A-T.
Other names: c.2821A>T, p.Met941Leu (NM_001177984.3, NM_001369788.1, NM_014191.4); short protein forms M941L.
Identifiers: ClinVar variation 3635192 (VCV003635192.2).